The following is an entry in ClinVar:

NM_015922.3(NSDHL):c.*130G>A

Gene: NSDHL (NAD(P) dependent 3-beta-hydroxysteroid dehydrogenase NSDHL; plus strand). Cytogenetic location: Xq28.
Variant type: single nucleotide variant.
Coding change: c.*130G>A on transcript NM_015922.3 (MANE Select); 130 bases downstream of the stop codon, G replaced by A.
Molecular consequence: 3 prime UTR variant.
Genome position (GRCh38, 1-based): chrX:152,869,246, G>A. VCF-style: chrX-152869246-G-A. GRCh37 (hg19) VCF-style: chrX-152037790-G-A.
Other names: c.*130G>A (NM_001129765.2, NM_001441099.1).
Identifiers: ClinVar variation 4977435 (VCV004977435.1).

ClinVar aggregate classification (germline): Likely benign (1 of 4 stars; one submission).

Conditions:
NSDHL-related disorder. Also called: NSDHL-related condition; NSDHL-Related Disorders. Identifiers: MedGen CN381535.

Submission:

PreventionGenetics, part of Exact Sciences
Classification: Likely benign for NSDHL-related condition. Last evaluated: 2024-12-12. Review status: criteria provided, single submitter. Criteria: ACMG Guidelines, 2015. Collection method: clinical testing. Allele origin: germline.
Comment: This variant is classified as likely benign based on ACMG/AMP sequence variant interpretation guidelines (Richards et al. 2015 PMID: 25741868, with internal and published modifications).